The following is an entry in ClinVar:

ClinVar aggregate classification (germline): Likely benign. Review status: criteria provided, multiple submitters, no conflicts (2 of 4 stars). 4 submissions from 4 submitters: Likely benign (4). Last evaluated 2025-05-09.

Conditions:
Catecholaminergic polymorphic ventricular tachycardia (CVPT). Also called: Catecholamine-induced polymorphic ventricular tachycardia. Identifiers: Orphanet 3286, MedGen C5574922, MONDO:0017990.
Cardiomyopathy (CMYO). Also called: Cardiomyopathies. Identifiers: Orphanet 167848, MedGen C0878544, MONDO:0004994, HP:0001638. Inheritance: Various modes of inheritance.
Cardiovascular phenotype. Identifiers: MedGen CN230736.
Catecholaminergic polymorphic ventricular tachycardia 1. Also called: VENTRICULAR TACHYCARDIA, CATECHOLAMINERGIC POLYMORPHIC, 1, WITH OR WITHOUT ATRIAL DYSFUNCTION AND/OR DILATED CARDIOMYOPATHY; VENTRICULAR TACHYCARDIA, STRESS-INDUCED POLYMORPHIC 1; RYR2-Related Catecholaminergic Polymorphic Ventricular Tachycardia. Identifiers: Orphanet 3286, MedGen C1631597, MONDO:0011484, OMIM 604772.

Submissions (4):

Labcorp Genetics (formerly Invitae), Labcorp
Classification: Likely benign for Catecholaminergic polymorphic ventricular tachycardia 1. Last evaluated: 2025-05-09. Review status: criteria provided, single submitter. Criteria: Invitae Variant Classification Sherloc (09022015). Collection method: clinical testing. Allele origin: germline.

Ambry Genetics
Classification: Likely benign for Cardiovascular phenotype. Last evaluated: 2025-03-18. Review status: criteria provided, single submitter. Criteria: Ambry Variant Classification Scheme 2023. Collection method: clinical testing. Allele origin: germline.

All of Us Research Program, National Institutes of Health
Classification: Likely benign for Catecholaminergic polymorphic ventricular tachycardia. Last evaluated: 2024-04-25. Review status: criteria provided, single submitter. Criteria: ACMG Guidelines, 2015. Collection method: clinical testing. Allele origin: germline. Inheritance: Autosomal dominant inheritance. Observed: 1 variant allele, 1 heterozygote.
Comment: This study involves interpretation of variants in research participants for the purpose of population health screening. Participant phenotype was not available at the time of variant classification. Additional details can be found in publication PMID: 35346344, PMCID: PMC8962531

Color Diagnostics, LLC DBA Color Health
Classification: Likely benign for Cardiomyopathy. Last evaluated: 2019-11-20. Review status: criteria provided, single submitter. Criteria: ACMG Guidelines, 2015. Collection method: clinical testing. Allele origin: germline.

NM_001035.3(RYR2):c.14292C>A (p.Gly4764=)

Gene: RYR2 (ryanodine receptor 2; plus strand). Cytogenetic location: 1q43.
Variant type: single nucleotide variant.
Coding change: c.14292C>A on transcript NM_001035.3 (MANE Select); coding-DNA position 14292, C replaced by A.
Protein change: p.Gly4764=; no amino-acid change (glycine 4764 retained).
Molecular consequence: synonymous variant.
Genome position (GRCh38, 1-based): chr1:237,806,277, C>A. VCF-style: chr1-237806277-C-A. GRCh37 (hg19) VCF-style: chr1-237969577-C-A.
Other names: c.14292C>A (NM_001035.2).
Identifiers: ClinVar variation 927363 (VCV000927363.5), dbSNP rs1660622870, ClinGen allele CA424051678.